The following is an entry in ClinVar:

NM_000368.5(TSC1):c.2149A>G (p.Arg717Gly)

Gene: TSC1 (TSC complex subunit 1; minus strand). Cytogenetic location: 9q34.13.
Variant type: single nucleotide variant.
Coding change: c.2149A>G on transcript NM_000368.5 (MANE Select); coding-DNA position 2149, A replaced by G.
Protein change: p.Arg717Gly; replaces arginine 717 with glycine.
Molecular consequence: missense variant. On other transcripts: non-coding transcript variant (4).
Genome position (GRCh38, 1-based): chr9:132,903,710, T>C on the plus strand (A>G on the coding strand, the complement: TSC1 is on the minus strand). VCF-style: chr9-132903710-T-C. GRCh37 (hg19) VCF-style: chr9-135779097-T-C.
Other names: c.1993A>G, p.Arg665Gly (NM_001406613.1, NM_001406611.1, NM_001406612.1); c.1786A>G, p.Arg596Gly (NM_001406614.1, NM_001406615.1, NM_001406616.1 and 5 more transcripts); c.1783A>G, p.Arg595Gly (NM_001406620.1, NM_001406621.1, NM_001406622.1 and 2 more transcripts); c.2146A>G, p.Arg716Gly (NM_001162426.2, NM_001406597.1, NM_001406598.1 and 4 more transcripts); c.1996A>G, p.Arg666Gly (NM_001162427.2, NM_001406610.1); c.2149A>G, p.Arg717Gly (NM_001406592.1, NM_001406593.1, NM_001406594.1 and 5 more transcripts); c.2134A>G, p.Arg712Gly (NM_001406601.1, NM_001406602.1); c.2131A>G, p.Arg711Gly (NM_001406603.1, NM_001406604.1); and 3 more; short protein forms R399G, R400G, R595G, R596G, R716G, R712G, R366G, R666G.
Identifiers: ClinVar variation 3720856 (VCV003720856.2).

ClinVar aggregate classification (germline): Uncertain significance (1 of 4 stars; one submission).

Conditions:
Tuberous sclerosis 1 (TSC1). Identifiers: Orphanet 805, MedGen C1854465, MONDO:0008612, OMIM 191100.

Submission:

Labcorp Genetics (formerly Invitae), Labcorp
Classification: Uncertain significance for Tuberous sclerosis 1. Last evaluated: 2024-12-26. Review status: criteria provided, single submitter. Criteria: Invitae Variant Classification Sherloc (09022015). Collection method: clinical testing. Allele origin: germline.
Comment: This sequence change replaces arginine, which is basic and polar, with glycine, which is neutral and non-polar, at codon 717 of the TSC1 protein (p.Arg717Gly). This variant is not present in population databases (gnomAD no frequency). This variant has not been reported in the literature in individuals affected with TSC1-related conditions. Invitae Evidence Modeling of protein sequence and biophysical properties (such as structural, functional, and spatial information, amino acid conservation, physicochemical variation, residue mobility, and thermodynamic stability) has been performed for this missense variant. However, the output from this modeling did not meet the statistical confidence thresholds required to predict the impact of this variant on TSC1 protein function. In summary, the available evidence is currently insufficient to determine the role of this variant in disease. Therefore, it has been classified as a Variant of Uncertain Significance.